The following is an entry in ClinVar:

NM_004465.2(FGF10):c.577C>T (p.Arg193Ter)

Gene: FGF10 (fibroblast growth factor 10; minus strand). Cytogenetic location: 5p12.
Variant type: single nucleotide variant.
Coding change: c.577C>T on transcript NM_004465.2 (MANE Select); coding-DNA position 577, C replaced by T.
Protein change: p.Arg193Ter; replaces arginine 193 with a stop codon.
Molecular consequence: nonsense.
Genome position (GRCh38, 1-based): chr5:44,305,045, G>A on the plus strand (C>T on the coding strand, the complement: FGF10 is on the minus strand). VCF-style: chr5-44305045-G-A. GRCh37 (hg19) VCF-style: chr5-44305147-G-A.
Other names: short protein forms R193*.
Identifiers: ClinVar variation 7529 (VCV000007529.3), dbSNP rs104893884, ClinGen allele CA118866.

ClinVar aggregate classification (germline): Pathogenic/Likely pathogenic. Review status: criteria provided, multiple submitters, no conflicts (2 of 4 stars). 3 submissions from 3 submitters: Pathogenic (1); Likely pathogenic (1). 1 of the submissions does not count toward it. Last evaluated 2025-04-17.

Conditions:
Congenital absence of salivary gland (ALSG). Also called: Aplasia of lacrimal and salivary glands; Salivary glands, absence of. Identifiers: Orphanet 86815, MedGen C0158667, MONDO:0008397, OMIM 180920.

Submissions (3):

GeneDx
Classification: Pathogenic. Last evaluated: 2025-04-17. Review status: criteria provided, single submitter. Criteria: GeneDx Variant Classification Process June 2021. Collection method: clinical testing. Allele origin: germline. Affected: yes.
Comment: Nonsense variant predicted to result in protein truncation, as the last 16 amino acid(s) are lost, and other loss-of-function variants have been reported downstream in HGMD; Not observed at significant frequency in large population cohorts (gnomAD); This variant is associated with the following publications: (PMID: 21742743, 15654336, 30405705, EdirisingheO2025[review], 30552424, 32553838, 36124135, 30639323, 37644014)

3billion
Classification: Likely pathogenic for Congenital absence of salivary gland. Review status: criteria provided, single submitter. Criteria: ACMG Guidelines, 2015. Collection method: clinical testing. Allele origin: unknown. Affected: yes. Observed: 1 heterozygote.
Comment: The variant is not observed in the gnomAD v2.1.1 dataset. The variant is predicted to result in a loss or disruption of normal protein function through protein truncation. The predicted truncated protein may be shortened by less than 10%. The variant has been reported to co-segregate with the disease in at least 3 similarly affected relatives/individuals in the same family or similarly affected unrelated families (PMID: 15654336). The variant has been reported to be associated with FGF10 -related disorder (ClinVar ID: VCV000007529 / PMID: 15654336). Therefore, this variant is classified as Likely pathogenic according to the recommendation of ACMG/AMP guideline.

OMIM
Classification: Pathogenic for APLASIA OF LACRIMAL AND SALIVARY GLANDS. Last evaluated: 2005-02-01. Review status: no assertion criteria provided. Collection method: literature only. Allele origin: germline. Not counted in ClinVar's aggregate classification.

Literature cited by the submitters: PubMed 15654336 (cited by 3billion and OMIM).